The following is an entry in ClinVar:

ClinVar aggregate classification (germline): Pathogenic (1 of 4 stars; one submission).

Conditions:
Nemaline myopathy 2 (NEM2). Also called: Nemaline myopathy 2, autosomal recessive. Identifiers: MedGen C1850569, MONDO:0009725, OMIM 256030.

Submission:

Myriad Genetics, Inc.
Classification: Pathogenic for Nemaline myopathy 2. Last evaluated: 2023-09-27. Review status: criteria provided, single submitter. Criteria: Myriad Autosomal Dominant, Autosomal Recessive and X-Linked Classification Criteria (2023). Collection method: clinical testing. Allele origin: unknown.
Comment: NM_001271208.1(NEB):c.597dupC(A200Rfs*10) is expected to be pathogenic in the context of NEB-related nemaline myopathy. This variant is predicted to lead to an abnormal or absent protein product due to the creation of a premature termination codon in NEB, a gene where loss-of-function variants are known to be pathogenic. Please note: this variant was assessed in the context of healthy population screening.

NM_001164508.2(NEB):c.597dup (p.Ala200fs)

Gene: NEB (nebulin; minus strand). Cytogenetic location: 2q23.3.
Variant type: Duplication.
Coding change: c.597dup on transcript NM_001164508.2 (MANE Select); coding-DNA position 597, one base duplicated (C; older notation c.597dupC).
Protein change: p.Ala200fs; shifts the reading frame from alanine 200.
Molecular consequence: frameshift variant.
Genome position (GRCh38, 1-based): chr2:151,724,275, G duplicated on the plus strand (C on the coding strand, the reverse complement: NEB is on the minus strand); the first of 2 consecutive G bases (chr2:151,724,275-151,724,276); duplicating either gives the same sequence. VCF-style (leftmost placement, unchanged base first): chr2-151724274-C-CG. GRCh37 (hg19) VCF-style: chr2-152580788-C-CG.
Other names: c.597dup, p.Ala200fs (NM_001164507.2, NM_001271208.2, NM_004543.5); short protein forms A200fs.
Identifiers: ClinVar variation 5012058 (VCV005012058.1).